The following is an entry in ClinVar:

NM_000136.3(FANCC):c.521+5G>C

Gene: FANCC (FA complementation group C; minus strand). Cytogenetic location: 9q22.32.
Variant type: single nucleotide variant.
Coding change: c.521+5G>C on transcript NM_000136.3 (MANE Select); 5 bases into the intron after coding-DNA position 521, G replaced by C.
Molecular consequence: intron variant.
Genome position (GRCh38, 1-based): chr9:95,171,074, C>G on the plus strand (G>C on the coding strand, the complement: FANCC is on the minus strand). VCF-style: chr9-95171074-C-G. GRCh37 (hg19) VCF-style: chr9-97933356-C-G.
Other names: c.521+5G>C (NM_001243743.2, NM_001243744.2, NM_000136.2).
Identifiers: ClinVar variation 1016496 (VCV001016496.12), dbSNP rs1301899973, ClinGen allele CA589489204.

ClinVar aggregate classification (germline): Uncertain significance. Review status: criteria provided, multiple submitters, no conflicts (2 of 4 stars). 4 submissions from 4 submitters: Uncertain significance (3). 1 of the submissions does not count toward it. Last evaluated 2025-05-19.

Conditions:
Hereditary cancer-predisposing syndrome. Also called: Hereditary Cancer Syndrome; Tumor predisposition; Neoplastic Syndromes, Hereditary; Hereditary neoplastic syndrome. Identifiers: Orphanet 140162, MedGen C0027672, MeSH D009386, MONDO:0015356.
Fanconi anemia (FA). Also called: Fanconi's anemia. Identifiers: Orphanet 84, MedGen C0015625, MeSH D005199, MONDO:0019391.

Allele frequency attached by ClinVar (database versions not stated): gnomAD 0.00001; gnomAD exomes 0.00001 and 0.00003.
gnomAD v4.1: 44 of 1,609,588 alleles (0.0027%); highest among the groups gnomAD compares: Non-Finnish European, 0.0037%; no homozygotes.

Submissions (4):

Labcorp Genetics (formerly Invitae), Labcorp
Classification: Uncertain significance for Fanconi anemia. Last evaluated: 2025-05-19. Review status: criteria provided, single submitter. Criteria: Invitae Variant Classification Sherloc (09022015). Collection method: clinical testing. Allele origin: germline.
Comment: This sequence change falls in intron 6 of the FANCC gene. It does not directly change the encoded amino acid sequence of the FANCC protein. It affects a nucleotide within the consensus splice site. This variant is present in population databases (no rsID available, gnomAD 0.002%). This variant has not been reported in the literature in individuals affected with FANCC-related conditions. ClinVar contains an entry for this variant (Variation ID: 1016496). Variants that disrupt the consensus splice site are a relatively common cause of aberrant splicing (PMID: 17576681, 9536098). Algorithms developed to predict the effect of sequence changes on RNA splicing suggest that this variant may disrupt the consensus splice site. In summary, the available evidence is currently insufficient to determine the role of this variant in disease. Therefore, it has been classified as a Variant of Uncertain Significance.

Quest Diagnostics Nichols Institute San Juan Capistrano
Classification: Uncertain significance. Last evaluated: 2025-03-25. Review status: criteria provided, single submitter. Criteria: Quest Diagnostics criteria. Collection method: clinical testing. Allele origin: unknown.
Comment: The FANCC c.521+5G>C variant has not been reported in individuals with FANCC-related conditions in the published literature. The frequency of this variant in the general population (Genome Aggregation Database) is uninformative in the assessment of its pathogenicity. Analysis of this variant using software algorithms for the prediction of the effect of nucleotide changes on splicing yielded predictions that this variant may affect proper FANCC mRNA splicing. Based on the available information, we are unable to determine the clinical significance of this variant.

Ambry Genetics
Classification: Uncertain significance for Hereditary cancer-predisposing syndrome. Last evaluated: 2023-07-05. Review status: criteria provided, single submitter. Criteria: Ambry Variant Classification Scheme 2023. Collection method: clinical testing. Allele origin: germline.
Comment: The c.521+5G>C intronic variant results from a G to C substitution 5 nucleotides after coding exon 5 in the FANCC gene. This nucleotide position is highly conserved in available vertebrate species. In silico splice site analysis predicts that this alteration will weaken the native splice donor site. RNA studies have demonstrated that this alteration results in an incomplete splice defect; the clinical impact of this abnormal splicing is unknown at this time (Ambry internal data). Since supporting evidence is limited at this time, the clinical significance of this alteration remains unclear.

Natera, Inc.
Classification: Uncertain significance for Fanconi anemia. Last evaluated: 2019-12-31. Review status: no assertion criteria provided. Collection method: clinical testing. Allele origin: germline. Not counted in ClinVar's aggregate classification.

Literature cited by the submitters: PubMed 17576681 (cited by Labcorp Genetics (formerly Invitae), Labcorp); PubMed 9536098 (cited by Labcorp Genetics (formerly Invitae), Labcorp).